The following is an entry in ClinVar:

ClinVar aggregate classification (germline): Uncertain significance (1 of 4 stars; one submission).

gnomAD v4.1: 3 of 1,613,302 alleles (0.00019%); highest among the groups gnomAD compares: Non-Finnish European, 0.00025%; no homozygotes.

Submission:

Labcorp Genetics (formerly Invitae), Labcorp
Classification: Uncertain significance. Last evaluated: 2025-12-04. Review status: criteria provided, single submitter. Criteria: Invitae Variant Classification Sherloc (09022015). Collection method: clinical testing. Allele origin: germline.
Comment: This sequence change replaces glycine, which is neutral and non-polar, with glutamic acid, which is acidic and polar, at codon 67 of the DCHS1 protein (p.Gly67Glu). This variant is not present in population databases (gnomAD no frequency). This variant has not been reported in the literature in individuals affected with DCHS1-related conditions. ClinVar contains an entry for this variant (Variation ID: 3669642). Invitae Evidence Modeling of protein sequence and biophysical properties (such as structural, functional, and spatial information, amino acid conservation, physicochemical variation, residue mobility, and thermodynamic stability) indicates that this missense variant is not expected to disrupt DCHS1 protein function with a negative predictive value of 95%. In summary, the available evidence is currently insufficient to determine the role of this variant in disease. Therefore, it has been classified as a Variant of Uncertain Significance.

NM_003737.4(DCHS1):c.200G>A (p.Gly67Glu)

Gene: DCHS1 (dachsous cadherin-related 1; minus strand). Cytogenetic location: 11p15.4.
Variant type: single nucleotide variant.
Coding change: c.200G>A on transcript NM_003737.4 (MANE Select); coding-DNA position 200, G replaced by A.
Protein change: p.Gly67Glu; replaces glycine 67 with glutamic acid.
Molecular consequence: missense variant.
Genome position (GRCh38, 1-based): chr11:6,641,414, C>T on the plus strand (G>A on the coding strand, the complement: DCHS1 is on the minus strand). VCF-style: chr11-6641414-C-T. GRCh37 (hg19) VCF-style: chr11-6662645-C-T.
Other names: short protein forms G67E.
Identifiers: ClinVar variation 3669642 (VCV003669642.2).
Genomic context (GRCh38, chr11:6,641,414, plus strand): 5'-CCGCTGCCCTCTTGGGCAGAGATGAAGTACATGAGAGGAGCTGCCGTGCCTGCCGGAAGC[C>T]CCGCACTGATGTCGCCAATCAGTGTACCCGCTGGCTGCTCCTCATCAATCTGCAAGTCCA-3'
Protein context (NP_003728.1, residues 57-77): AGTLIGDISA[Gly67Glu]LPAGTAAPLM